The following is an entry in ClinVar:

NM_004621.6(TRPC6):c.1189G>C (p.Gly397Arg)

Gene: TRPC6 (transient receptor potential cation channel subfamily C member 6; minus strand). Cytogenetic location: 11q22.1.
Variant type: single nucleotide variant.
Coding change: c.1189G>C on transcript NM_004621.6 (MANE Select); coding-DNA position 1189, G replaced by C.
Protein change: p.Gly397Arg; replaces glycine 397 with arginine.
Molecular consequence: missense variant.
Genome position (GRCh38, 1-based): chr11:101,489,041, C>G on the plus strand (G>C on the coding strand, the complement: TRPC6 is on the minus strand). VCF-style: chr11-101489041-C-G. GRCh37 (hg19) VCF-style: chr11-101359772-C-G.
Other names: short protein forms G397R.
Identifiers: ClinVar variation 3778737 (VCV003778737.1).

ClinVar aggregate classification (germline): Uncertain significance (1 of 4 stars; one submission).

Conditions:
Focal segmental glomerulosclerosis 2 (FSGS2). Identifiers: Orphanet 656, MedGen C1858915, MONDO:0011390, OMIM 603965.

Submission:

Institute of Human Genetics, University of Leipzig Medical Center
Classification: Uncertain significance for Focal segmental glomerulosclerosis 2. Last evaluated: 2025-03-19. Review status: criteria provided, single submitter. Criteria: ACMG Guidelines, 2015. Collection method: clinical testing. Allele origin: unknown. Inheritance: Autosomal dominant inheritance. Affected: yes.
Comment: Criteria applied: PM2,PP2,PP3